The following is an entry in ClinVar:

NM_001374736.1(DST):c.18355A>G (p.Lys6119Glu)

Gene: DST (dystonin; minus strand). Cytogenetic location: 6p12.1.
Variant type: single nucleotide variant.
Coding change: c.18355A>G on transcript NM_001374736.1 (MANE Select); coding-DNA position 18355, A replaced by G.
Protein change: p.Lys6119Glu; replaces lysine 6119 with glutamic acid.
Molecular consequence: missense variant.
Genome position (GRCh38, 1-based): chr6:56,517,200, T>C on the plus strand (A>G on the coding strand, the complement: DST is on the minus strand). VCF-style: chr6-56517200-T-C. GRCh37 (hg19) VCF-style: chr6-56381998-T-C.
Other names: c.11998A>G, p.Lys4000Glu (NM_001144769.5); c.11584A>G, p.Lys3862Glu (NM_001144770.2); c.18355A>G, p.Lys6119Glu (NM_001374722.1); c.17395A>G, p.Lys5799Glu (NM_001374729.1); c.11137A>G, p.Lys3713Glu (NM_001374730.1); c.18382A>G, p.Lys6128Glu (NM_001374734.1); c.11464A>G, p.Lys3822Glu (NM_001386100.1, NM_183380.4); c.10486A>G, p.Lys3496Glu (NM_015548.5); short protein forms K3496E, K4000E, K6128E, K3822E, K5799E, K3713E, K3862E, K6119E.
Identifiers: ClinVar variation 2131541 (VCV002131541.4), dbSNP rs2534521259, ClinGen allele CA364503921.
Genomic context (GRCh38, chr6:56,517,200, plus strand): 5'-GCTCAACACCTGCTGTTTTTTCAAGAGTCCCACTACCAGTCCACAGACAAGATTATACCT[T>C]CATTGATTGCTTTTCCTCTTCACTGCATGCGGTCATGATTTTATGCCCAGATTTAACAAG-3'
Protein context (NP_001361665.1, residues 6109-6129): ACSEEEKQSM[Lys6119Glu]KKLDKVLKNY

ClinVar aggregate classification (germline): Uncertain significance (1 of 4 stars; one submission).

Conditions:
Hereditary sensory and autonomic neuropathy type 6. Also called: Neuropathy, hereditary sensory and autonomic, type VI; HSAN VI. Identifiers: Orphanet 314381, MedGen C3539003, MONDO:0013839, OMIM 614653.
Epidermolysis bullosa simplex 3, localized or generalized intermediate, with BP230 deficiency (EBS3). Also called: Epidermolysis bullosa simplex due to BP230 deficiency; Epidermolysis bullosa simplex, autosomal recessive 2. Identifiers: Orphanet 412181, MedGen C3809470, MONDO:0014180, OMIM 615425.

Submission:

Labcorp Genetics (formerly Invitae), Labcorp
Classification: Uncertain significance for Epidermolysis bullosa simplex 3, localized or generalized intermediate, with BP230 deficiency; Hereditary sensory and autonomic neuropathy type 6. Last evaluated: 2022-04-28. Review status: criteria provided, single submitter. Criteria: Invitae Variant Classification Sherloc (09022015). Collection method: clinical testing. Allele origin: germline.
Comment: This sequence change replaces lysine, which is basic and polar, with glutamic acid, which is acidic and polar, at codon 3496 of the DST protein (p.Lys3496Glu). In summary, the available evidence is currently insufficient to determine the role of this variant in disease. Therefore, it has been classified as a Variant of Uncertain Significance. Experimental studies and prediction algorithms are not available or were not evaluated, and the functional significance of this variant is currently unknown. This variant has not been reported in the literature in individuals affected with DST-related conditions. This variant is not present in population databases (gnomAD no frequency). The DST gene has multiple clinically relevant transcripts. This variant occurs in alternate transcript NM_015548.4, and corresponds to NM_001723.5:c.*98317A>G in the primary transcript.